The following is an entry in ClinVar:

NM_021008.4(DEAF1):c.336T>A (p.Asn112Lys)

Gene: DEAF1 (DEAF1 transcription factor; minus strand). Cytogenetic location: 11p15.5.
Variant type: single nucleotide variant.
Coding change: c.336T>A on transcript NM_021008.4 (MANE Select); coding-DNA position 336, T replaced by A.
Protein change: p.Asn112Lys; replaces asparagine 112 with lysine.
Molecular consequence: missense variant. On other transcripts: 5 prime UTR variant (1).
Genome position (GRCh38, 1-based): chr11:691,552, A>T on the plus strand (T>A on the coding strand, the complement: DEAF1 is on the minus strand). VCF-style: chr11-691552-A-T. GRCh37 (hg19) VCF-style: chr11-691552-A-T.
Other names: c.336T>A, p.Asn112Lys (NM_001293634.2); c.-391T>A (NM_001367390.1); short protein forms N112K.
Identifiers: ClinVar variation 1398840 (VCV001398840.6), dbSNP rs147580202, ClinGen allele CA5786591.

ClinVar aggregate classification (germline): Uncertain significance (1 of 4 stars; one submission).

gnomAD v4.1: 58 of 1,613,664 alleles (0.0036%); highest among the groups gnomAD compares: South Asian, 0.064%; 1 homozygote.

Submission:

Labcorp Genetics (formerly Invitae), Labcorp
Classification: Uncertain significance. Last evaluated: 2024-10-16. Review status: criteria provided, single submitter. Criteria: Invitae Variant Classification Sherloc (09022015). Collection method: clinical testing. Allele origin: germline.
Comment: This sequence change replaces asparagine, which is neutral and polar, with lysine, which is basic and polar, at codon 112 of the DEAF1 protein (p.Asn112Lys). This variant is present in population databases (rs147580202, gnomAD 0.06%), including at least one homozygous and/or hemizygous individual. This variant has not been reported in the literature in individuals affected with DEAF1-related conditions. ClinVar contains an entry for this variant (Variation ID: 1398840). Invitae Evidence Modeling of protein sequence and biophysical properties (such as structural, functional, and spatial information, amino acid conservation, physicochemical variation, residue mobility, and thermodynamic stability) indicates that this missense variant is expected to disrupt DEAF1 protein function with a positive predictive value of 80%. In summary, the available evidence is currently insufficient to determine the role of this variant in disease. Therefore, it has been classified as a Variant of Uncertain Significance.